The following is an entry in ClinVar:

NM_000834.5(GRIN2B):c.4062_4127del (p.Ser1355_Ser1376del)

Gene: GRIN2B (glutamate ionotropic receptor NMDA type subunit 2B; minus strand). Cytogenetic location: 12p13.1.
Variant type: Deletion.
Coding change: c.4062_4127del on transcript NM_000834.5 (MANE Select); coding-DNA positions 4062 to 4127, 66 bases deleted.
Protein change: p.Ser1355_Ser1376del.
Molecular consequence: inframe deletion.
Genome position (GRCh38, 1-based): chr12:13,563,111-13,563,176, 66 bases deleted. GRCh37 (hg19): chr12:13,716,051-13,716,116.
Identifiers: ClinVar variation 1315420 (VCV001315420.3), dbSNP rs2136402892, ClinGen allele CA2573053634.

ClinVar aggregate classification (germline): Uncertain significance (1 of 4 stars; one submission).

Submission:

GeneDx
Classification: Uncertain significance. Last evaluated: 2023-05-25. Review status: criteria provided, single submitter. Criteria: GeneDx Variant Classification Process June 2021. Collection method: clinical testing. Allele origin: germline. Affected: yes.
Comment: Not observed at significant frequency in large population cohorts (gnomAD); In-frame deletion of 22 amino acids in a non-repeat region; In silico analysis supports a deleterious effect on protein structure/function; Has not been previously published as pathogenic or benign to our knowledge